The following is an entry in ClinVar:

ClinVar aggregate classification (germline): Uncertain significance. Review status: criteria provided, multiple submitters, no conflicts (2 of 4 stars). 2 submissions from 2 submitters: Uncertain significance (2). Last evaluated 2025-09-24.

Conditions:
Inborn genetic diseases. Identifiers: MedGen C0950123, MeSH D030342.

gnomAD v4.1: 2 of 1,613,788 alleles (0.00012%); highest among the groups gnomAD compares: African/African-American, 0.0013%; no homozygotes.

Submissions (2):

Labcorp Genetics (formerly Invitae), Labcorp
Classification: Uncertain significance. Last evaluated: 2025-09-24. Review status: criteria provided, single submitter. Criteria: Invitae Variant Classification Sherloc (09022015). Collection method: clinical testing. Allele origin: germline.
Comment: This sequence change replaces cysteine, which is neutral and slightly polar, with tyrosine, which is neutral and polar, at codon 61 of the MBD4 protein (p.Cys61Tyr). This variant is not present in population databases (gnomAD no frequency). This variant has not been reported in the literature in individuals affected with MBD4-related conditions. ClinVar contains an entry for this variant (Variation ID: 3678883). An algorithm developed to predict the effect of missense changes on protein structure and function (PolyPhen-2) suggests that this variant is likely to be tolerated. In summary, the available evidence is currently insufficient to determine the role of this variant in disease. Therefore, it has been classified as a Variant of Uncertain Significance.

Ambry Genetics
Classification: Uncertain significance for Inborn genetic diseases. Last evaluated: 2025-01-18. Review status: criteria provided, single submitter. Criteria: Ambry Variant Classification Scheme 2023. Collection method: clinical testing. Allele origin: germline.
Comment: The p.C61Y variant (also known as c.182G>A), located in coding exon 2 of the MBD4 gene, results from a G to A substitution at nucleotide position 182. The cysteine at codon 61 is replaced by tyrosine, an amino acid with highly dissimilar properties. This amino acid position is conserved. In addition, this alteration is predicted to be tolerated by in silico analysis. Based on the available evidence, the clinical significance of this variant remains unclear.

NM_001276270.2(MBD4):c.182G>A (p.Cys61Tyr)

Gene: MBD4 (methyl-CpG binding domain 4, DNA glycosylase; minus strand). Cytogenetic location: 3q21.3.
Variant type: single nucleotide variant.
Coding change: c.182G>A on transcript NM_001276270.2 (MANE Select); coding-DNA position 182, G replaced by A.
Protein change: p.Cys61Tyr; replaces cysteine 61 with tyrosine.
Molecular consequence: missense variant.
Genome position (GRCh38, 1-based): chr3:129,437,873, C>T on the plus strand (G>A on the coding strand, the complement: MBD4 is on the minus strand). VCF-style: chr3-129437873-C-T. GRCh37 (hg19) VCF-style: chr3-129156716-C-T.
Other names: c.182G>A, p.Cys61Tyr (NM_001276271.2, NM_001276272.2, NM_001276273.2 and 1 more transcripts); short protein forms C61Y.
Identifiers: ClinVar variation 3678883 (VCV003678883.3).